The following is an entry in ClinVar:

NM_006129.5(BMP1):c.2321C>T (p.Thr774Met)

Gene: BMP1 (bone morphogenetic protein 1; plus strand). Cytogenetic location: 8p21.3.
Variant type: single nucleotide variant.
Coding change: c.2321C>T on transcript NM_006129.5 (MANE Select); coding-DNA position 2321, C replaced by T.
Protein change: p.Thr774Met; replaces threonine 774 with methionine.
Molecular consequence: missense variant. On other transcripts: non-coding transcript variant (1).
Genome position (GRCh38, 1-based): chr8:22,206,941, C>T. VCF-style: chr8-22206941-C-T. GRCh37 (hg19) VCF-style: chr8-22064454-C-T.
Other names: short protein forms T774M.
Identifiers: ClinVar variation 911587 (VCV000911587.5), dbSNP rs750695022, ClinGen allele CA4665197.

ClinVar aggregate classification (germline): Uncertain significance. Review status: criteria provided, multiple submitters, no conflicts (2 of 4 stars). 2 submissions from 2 submitters: Uncertain significance (2). Last evaluated 2023-03-13.

Conditions:
Osteogenesis imperfecta type 13. Also called: Osteogenesis imperfecta, type xiii; OI, TYPE XIII. Identifiers: Orphanet 666, MedGen C3553887, MONDO:0013924, OMIM 614856.

Allele frequency attached by ClinVar (database versions not stated): gnomAD exomes below 0.00001; ExAC 0.00001; TOPMed 0.00002; gnomAD 0.00003 and 0.00004.
gnomAD v4.1: 17 of 1,614,084 alleles (0.0011%); highest among the groups gnomAD compares: East Asian, 0.0067%; no homozygotes.

Submissions (2):

GeneDx
Classification: Uncertain significance. Last evaluated: 2023-03-13. Review status: criteria provided, single submitter. Criteria: GeneDx Variant Classification Process June 2021. Collection method: clinical testing. Allele origin: germline. Affected: yes.
Comment: In silico analysis supports that this missense variant does not alter protein structure/function; Has not been previously published as pathogenic or benign to our knowledge

Illumina Laboratory Services, Illumina
Classification: Uncertain significance for Osteogenesis imperfecta type 13. Last evaluated: 2018-01-12. Review status: criteria provided, single submitter. Criteria: ICSL Variant Classification Criteria 13 December 2019. Collection method: clinical testing. Allele origin: germline.